The following is an entry in ClinVar:

NM_005045.4(RELN):c.4110A>C (p.Arg1370Ser)

Gene: RELN (reelin; minus strand). Cytogenetic location: 7q22.1.
Variant type: single nucleotide variant.
Coding change: c.4110A>C on transcript NM_005045.4 (MANE Select); coding-DNA position 4110, A replaced by C.
Protein change: p.Arg1370Ser; replaces arginine 1370 with serine.
Molecular consequence: missense variant.
Genome position (GRCh38, 1-based): chr7:103,589,631, T>G on the plus strand (A>C on the coding strand, the complement: RELN is on the minus strand). VCF-style: chr7-103589631-T-G. GRCh37 (hg19) VCF-style: chr7-103230078-T-G.
Other names: c.4110A>C, p.Arg1370Ser (NM_173054.3); short protein forms R1370S.
Identifiers: ClinVar variation 660499 (VCV000660499.10), dbSNP rs1584322632, ClinGen allele CA368755573.
Genomic context (GRCh38, chr7:103,589,631, plus strand): 5'-AACCCATTAAGAATGATTACTTTACCTGGATGCAAGAGACCTTGGAATAACAATGGTGAT[T>G]CTTGTCCATTCTTCAAAGTCCCCTGTGTGATACATGGTGGGCTCACTTAGTTCTCTGGAG-3'
Protein context (NP_005036.2, residues 1360-1380): YHTGDFEEWT[Arg1370Ser]ITIVIPRSLA

ClinVar aggregate classification (germline): Uncertain significance (1 of 4 stars; one submission).

Conditions:
Familial temporal lobe epilepsy 7. Identifiers: Orphanet 101046, MedGen C4225327, MONDO:0014639, OMIM 616436.
Norman-Roberts syndrome (LIS2). Also called: Lissencephaly 2 (Norman-Roberts type). Identifiers: Orphanet 89844, MedGen C0796089, MONDO:0009760, OMIM 257320.

Submission:

Labcorp Genetics (formerly Invitae), Labcorp
Classification: Uncertain significance for Familial temporal lobe epilepsy 7; Norman-Roberts syndrome. Last evaluated: 2019-01-11. Review status: criteria provided, single submitter. Criteria: Invitae Variant Classification Sherloc (09022015). Collection method: clinical testing. Allele origin: germline.
Comment: This variant is not present in population databases (ExAC no frequency). This variant has not been reported in the literature in individuals with RELN-related conditions. Algorithms developed to predict the effect of missense changes on protein structure and function are either unavailable or do not agree on the potential impact of this missense change (SIFT: "Deleterious"; PolyPhen-2: "Probably Damaging"; Align-GVGD: "Class C0"). In summary, the available evidence is currently insufficient to determine the role of this variant in disease. Therefore, it has been classified as a Variant of Uncertain Significance. This sequence change replaces arginine with serine at codon 1370 of the RELN protein (p.Arg1370Ser). The arginine residue is highly conserved and there is a moderate physicochemical difference between arginine and serine.